The following is an entry in ClinVar:

NM_000263.4(NAGLU):c.246C>T (p.Gly82=)

Genes: NAGLU (N-acetyl-alpha-glucosaminidase; plus strand), LOC130060903 (ATAC-STARR-seq lymphoblastoid silent region 8533; plus strand). Cytogenetic location: 17q21.2.
Variant type: single nucleotide variant.
Coding change: c.246C>T on transcript NM_000263.4 (MANE Select); coding-DNA position 246, C replaced by T.
Protein change: p.Gly82=; no amino-acid change (glycine 82 retained).
Molecular consequence: synonymous variant.
Genome position (GRCh38, 1-based): chr17:42,536,518, C>T. VCF-style: chr17-42536518-C-T. GRCh37 (hg19) VCF-style: chr17-40688536-C-T.
Identifiers: ClinVar variation 4085118 (VCV004085118.8).
Genomic context (GRCh38, chr17:42,536,518, plus strand): 5'-GGACACCTACAGCCTGGGCGGCGGCGGCGCGGCGCGCGTGCGGGTGCGCGGCTCCACGGG[C>T]GTGGCGGCCGCCGCGGGGCTGCACCGCTACCTGCGCGACTTCTGTGGCTGCCACGTGGCC-3'
Protein context (NP_000254.2, residues 72-92): AARVRVRGST[Gly82=]VAAAAGLHRY

ClinVar aggregate classification (germline): Likely benign (1 of 4 stars; one submission).

Submission:

CeGaT Center for Human Genetics Tuebingen
Classification: Likely benign. Last evaluated: 2025-06-01. Review status: criteria provided, single submitter. Criteria: CeGaT Center For Human Genetics Tuebingen Variant Classification Criteria Version 2. Collection method: clinical testing. Allele origin: germline. Affected: yes. Observed: 1 variant allele.
Comment: NAGLU: BP4, BP7